The following is an entry in ClinVar:

NM_018723.4(RBFOX1):c.166A>G (p.Thr56Ala)

Gene: RBFOX1 (RNA binding fox-1 homolog 1; plus strand). Cytogenetic location: 16p13.3.
Variant type: single nucleotide variant.
Coding change: c.166A>G on transcript NM_018723.4 (MANE Select); coding-DNA position 166, A replaced by G.
Protein change: p.Thr56Ala; replaces threonine 56 with alanine.
Molecular consequence: missense variant.
Genome position (GRCh38, 1-based): chr16:7,518,285, A>G. VCF-style: chr16-7518285-A-G. GRCh37 (hg19) VCF-style: chr16-7568287-A-G.
Other names: c.166A>G, p.Thr56Ala (NM_001142333.2, NM_001142334.2, NM_001364800.2); c.295A>G, p.Thr99Ala (NM_001308117.1, NM_001411047.1); c.226A>G, p.Thr76Ala (NM_145891.3, NM_145892.3, NM_145893.3); short protein forms T56A, T99A, T76A.
Identifiers: ClinVar variation 2157978 (VCV002157978.4), dbSNP rs2548521868, ClinGen allele CA394796568.

ClinVar aggregate classification (germline): Uncertain significance (1 of 4 stars; one submission).

Conditions:
Idiopathic generalized epilepsy. Also called: Generalised epilepsy; EIG. Identifiers: MedGen C0270850, MONDO:0005579, OMIM 600669.

Submission:

Labcorp Genetics (formerly Invitae), Labcorp
Classification: Uncertain significance for Idiopathic generalized epilepsy. Last evaluated: 2022-06-04. Review status: criteria provided, single submitter. Criteria: Invitae Variant Classification Sherloc (09022015). Collection method: clinical testing. Allele origin: germline.
Comment: In summary, the available evidence is currently insufficient to determine the role of this variant in disease. Therefore, it has been classified as a Variant of Uncertain Significance. Algorithms developed to predict the effect of missense changes on protein structure and function (SIFT, PolyPhen-2, Align-GVGD) all suggest that this variant is likely to be tolerated. This variant has not been reported in the literature in individuals affected with RBFOX1-related conditions. This variant is not present in population databases (gnomAD no frequency). This sequence change replaces threonine, which is neutral and polar, with alanine, which is neutral and non-polar, at codon 76 of the RBFOX1 protein (p.Thr76Ala).